The following is an entry in ClinVar:

ClinVar aggregate classification (germline): Uncertain significance (1 of 4 stars; one submission).

Allele frequency attached by ClinVar (database versions not stated): gnomAD 0.00001; TOPMed 0.00002.
gnomAD v4.1: 21 of 1,613,800 alleles (0.0013%); highest among the groups gnomAD compares: Non-Finnish European, 0.0016%; no homozygotes.

Submission:

Labcorp Genetics (formerly Invitae), Labcorp
Classification: Uncertain significance. Last evaluated: 2022-09-16. Review status: criteria provided, single submitter. Criteria: Invitae Variant Classification Sherloc (09022015). Collection method: clinical testing. Allele origin: germline.
Comment: This sequence change replaces proline, which is neutral and non-polar, with arginine, which is basic and polar, at codon 582 of the KIF22 protein (p.Pro582Arg). This variant is not present in population databases (gnomAD no frequency). This variant has not been reported in the literature in individuals affected with KIF22-related conditions. Algorithms developed to predict the effect of missense changes on protein structure and function are either unavailable or do not agree on the potential impact of this missense change (SIFT: "Deleterious"; PolyPhen-2: "Benign"; Align-GVGD: "Class C25"). In summary, the available evidence is currently insufficient to determine the role of this variant in disease. Therefore, it has been classified as a Variant of Uncertain Significance.

NM_007317.3(KIF22):c.1745C>G (p.Pro582Arg)

Gene: KIF22 (kinesin family member 22; plus strand). Cytogenetic location: 16p11.2.
Variant type: single nucleotide variant.
Coding change: c.1745C>G on transcript NM_007317.3 (MANE Select); coding-DNA position 1745, C replaced by G.
Protein change: p.Pro582Arg; replaces proline 582 with arginine.
Molecular consequence: missense variant.
Genome position (GRCh38, 1-based): chr16:29,804,881, C>G. VCF-style: chr16-29804881-C-G. GRCh37 (hg19) VCF-style: chr16-29816202-C-G.
Other names: c.1541C>G, p.Pro514Arg (NM_001256269.2, NM_001256270.1); short protein forms P582R, P514R.
Identifiers: ClinVar variation 1990634 (VCV001990634.4), dbSNP rs901882672, ClinGen allele CA280393155.
Genomic context (GRCh38, chr16:29,804,881, plus strand): 5'-CCCTGGATGCCCTAGAGCCTGAGGAGAAGGCTGAGGACTGCTGGGAGCTACAGATCAGCC[C>G]GGAGCTACTGGCTCATGGGCGCCAAAAAATACTGGATCTGCTGAACGAAGGCTCAGCCCG-3'
Protein context (NP_015556.1, residues 572-592): AEDCWELQIS[Pro582Arg]ELLAHGRQKI